The following is an entry in ClinVar:

ClinVar aggregate classification (germline): Uncertain significance (1 of 4 stars; one submission).

Conditions:
Hereditary cancer-predisposing syndrome. Also called: Neoplastic Syndromes, Hereditary; Tumor predisposition; Hereditary neoplastic syndrome; Hereditary Cancer Syndrome. Identifiers: Orphanet 140162, MedGen C0027672, MeSH D009386, MONDO:0015356.

Submission:

Ambry Genetics
Classification: Uncertain significance for Hereditary cancer-predisposing syndrome. Last evaluated: 2026-07-07. Review status: criteria provided, single submitter. Criteria: Ambry Variant Classification Scheme 2023. Collection method: clinical testing. Allele origin: germline.
Comment: The p.E787Q variant (also known as c.2359G>C), located in coding exon 17 of the MSH3 gene, results from a G to C substitution at nucleotide position 2359. The glutamic acid at codon 787 is replaced by glutamine, an amino acid with highly similar properties. This amino acid position is conserved. In addition, the in silico prediction for this alteration is inconclusive. Based on the available evidence, the clinical significance of this variant remains unclear.

NM_002439.5(MSH3):c.2359G>C (p.Glu787Gln)

Gene: MSH3 (mutS homolog 3; plus strand). Cytogenetic location: 5q14.1.
Variant type: single nucleotide variant.
Coding change: c.2359G>C on transcript NM_002439.5 (MANE Select); coding-DNA position 2359, G replaced by C.
Protein change: p.Glu787Gln; replaces glutamic acid 787 with glutamine.
Molecular consequence: missense variant.
Genome position (GRCh38, 1-based): chr5:80,778,760, G>C. VCF-style: chr5-80778760-G-C. GRCh37 (hg19) VCF-style: chr5-80074579-G-C.
Other names: short protein forms E787Q.
Identifiers: ClinVar variation 5024790 (VCV005024790.1).